The following is an entry in ClinVar:

ClinVar aggregate classification (germline): Likely pathogenic (1 of 4 stars; one submission).

Conditions:
Sotos syndrome (SOTOS). Also called: Sotos' syndrome; Distinctive facial appearance, overgrowth in childhood, and learning disabilities or delayed development; CEREBRAL GIGANTISM; CHROMOSOME 5q35 DELETION SYNDROME; SOTOS SYNDROME 1. Identifiers: Orphanet 821, MedGen C0175695, MONDO:0019349, OMIM 117550.

Submission:

Victorian Clinical Genetics Services, Murdoch Childrens Research Institute
Classification: Likely pathogenic for Sotos syndrome. Last evaluated: 2024-09-19. Review status: criteria provided, single submitter. Criteria: ACMG Guidelines, 2015. Collection method: clinical testing. Allele origin: germline. Inheritance: Autosomal dominant inheritance. Affected: yes.
Comment: Based on the classification scheme VCGS_Germline_v1.3.4, this variant is classified as Likely pathogenic. Following criteria are met: 0102 - Loss of function is a known mechanism of disease in this gene and is associated with Sotos syndrome (MIM#117550). (I) 0107 - This gene is associated with autosomal dominant disease. (I) 0200 - Variant is predicted to result in a missense amino acid change from aspartic acid to glycine. (I) 0251 - This variant is heterozygous. (I) 0301 - Variant is absent from gnomAD (both v2 and v3). (SP) 0502 - Missense variant with conflicting in silico predictions and uninformative conservation. (I) 0600 - Variant is located in the annotated PWWP domain (DECIPHER). (I) 0705 - No comparable missense variants have previous evidence for pathogenicity. (I) 0807 - This variant has no previous evidence of pathogenicity. (I) 0905 - No published segregation evidence has been identified for this variant. (I) 1007 - No published functional evidence has been identified for this variant. (SP) Legend: (SP) - Supporting pathogenic, (I) - Information, (SB) - Supporting benign

NM_022455.5(NSD1):c.5456A>G (p.Asp1819Gly)

Genes: NSD1 (nuclear receptor binding SET domain protein 1; plus strand), LOC126807619 (MED14-independent group 3 enhancer GRCh37_chr5:176696443-176697642; plus strand). Cytogenetic location: 5q35.3.
Variant type: single nucleotide variant.
Coding change: c.5456A>G on transcript NM_022455.5 (MANE Select); coding-DNA position 5456, A replaced by G.
Protein change: p.Asp1819Gly; replaces aspartic acid 1819 with glycine.
Molecular consequence: missense variant.
Genome position (GRCh38, 1-based): chr5:177,269,754, A>G. VCF-style: chr5-177269754-A-G. GRCh37 (hg19) VCF-style: chr5-176696755-A-G.
Other names: c.4583A>G, p.Asp1528Gly (NM_001365684.2, NM_001409308.1, NM_001409309.1 and 1 more transcripts); c.5456A>G, p.Asp1819Gly (NM_001409301.1, NM_001409302.1, NM_001409303.1); c.5036A>G, p.Asp1679Gly (NM_001409304.1); c.4703A>G, p.Asp1568Gly (NM_001409305.1); c.4694A>G, p.Asp1565Gly (NM_001409306.1, NM_001409307.1); short protein forms D1528G, D1565G, D1568G, D1679G, D1819G.
Identifiers: ClinVar variation 3376857 (VCV003376857.1).